The following is an entry in ClinVar:

NM_004606.5(TAF1):c.1431A>G (p.Val477=)

Gene: TAF1 (TATA-box binding protein associated factor 1; plus strand). Cytogenetic location: Xq13.1.
Variant type: single nucleotide variant.
Coding change: c.1431A>G on transcript NM_004606.5 (MANE Select); coding-DNA position 1431, A replaced by G.
Protein change: p.Val477=; no amino-acid change (valine 477 retained).
Molecular consequence: synonymous variant. On other transcripts: non-coding transcript variant (9).
Genome position (GRCh38, 1-based): chrX:71,381,813, A>G. VCF-style: chrX-71381813-A-G. GRCh37 (hg19) VCF-style: chrX-70601663-A-G.
Other names: p.Val497=; c.1431A>G, p.Val477= (NM_001286074.2); c.1368A>G, p.Val456= (NM_138923.4); c.1491A>G (NM_001286074.1).
Identifiers: ClinVar variation 695418 (VCV000695418.15), dbSNP rs144087024, ClinGen allele CA10446710.
Genomic context (GRCh38, chrX:71,381,813, plus strand): 5'-CACTCTTGATGATGACAAACCTTGGTACTCCATTTTTCCCATTGACAATGAGGATCTGGT[A>G]TATGGACGCTGGGAGGACAATATCATTTGGGATGCTCAGGCCATGCCCCGGCTGTTGGAA-3'
Protein context (NP_004597.3, residues 467-487): SIFPIDNEDL[Val477=]YGRWEDNIIW

ClinVar aggregate classification (germline): Benign/Likely benign. Review status: criteria provided, multiple submitters, no conflicts (2 of 4 stars). 6 submissions from 6 submitters: Benign (2); Likely benign (1). 3 of the submissions do not count toward it. Last evaluated 2026-01-19.

Conditions:
TAF1-related disorder. Also called: TAF1-related condition.

Allele frequency attached by ClinVar (database versions not stated): ExAC 0.00099; gnomAD exomes 0.00101 and 0.00159; ESP Exome Variant Server 0.00104; TOPMed 0.00113; gnomAD 0.00116 and 0.00125.
gnomAD v4.1: 1,866 of 1,206,165 alleles (0.15%); highest among the groups gnomAD compares: Non-Finnish European, 0.19%; 2 homozygotes.

Submissions (6):

Labcorp Genetics (formerly Invitae), Labcorp
Classification: Benign. Last evaluated: 2026-01-19. Review status: criteria provided, single submitter. Criteria: Invitae Variant Classification Sherloc (09022015). Collection method: clinical testing. Allele origin: germline.

Mayo Clinic Laboratories, Mayo Clinic
Classification: Benign. Last evaluated: 2025-08-20. Review status: criteria provided, single submitter. Criteria: ACMG Guidelines, 2015. Collection method: clinical testing. Allele origin: germline. Observed: 2 variant alleles.
Comment: BS1, BS2, BP4, BP7

Blueprint Genetics
Classification: Likely benign. Last evaluated: 2024-11-22. Review status: criteria provided, single submitter. Criteria: ACMG Guidelines, 2015. Collection method: clinical testing. Allele origin: germline.

PreventionGenetics, part of Exact Sciences
Classification: Likely benign for TAF1-related condition. Last evaluated: 2019-06-05. Review status: no assertion criteria provided. Collection method: clinical testing. Allele origin: germline. Not counted in ClinVar's aggregate classification.
Comment: This variant is classified as likely benign based on ACMG/AMP sequence variant interpretation guidelines (Richards et al. 2015 PMID: 25741868, with internal and published modifications).

Clinical Genetics DNA and cytogenetics Diagnostics Lab, Erasmus MC, Erasmus Medical Center
Classification: Likely benign. Review status: no assertion criteria provided. Collection method: clinical testing. Allele origin: germline. Affected: yes. Study: VKGL Data-share Consensus. Not counted in ClinVar's aggregate classification.

Genome Diagnostics Laboratory, Amsterdam University Medical Center
Classification: Likely benign. Review status: no assertion criteria provided. Collection method: clinical testing. Allele origin: germline. Affected: yes. Study: VKGL Data-share Consensus. Not counted in ClinVar's aggregate classification.